The following is an entry in ClinVar:

NM_005529.7(HSPG2):c.6022G>C (p.Ala2008Pro)

Gene: HSPG2 (heparan sulfate proteoglycan 2; minus strand). Cytogenetic location: 1p36.12.
Variant type: single nucleotide variant.
Coding change: c.6022G>C on transcript NM_005529.7 (MANE Select); coding-DNA position 6022, G replaced by C.
Protein change: p.Ala2008Pro; replaces alanine 2008 with proline.
Molecular consequence: missense variant.
Genome position (GRCh38, 1-based): chr1:21,854,959, C>G on the plus strand (G>C on the coding strand, the complement: HSPG2 is on the minus strand). VCF-style: chr1-21854959-C-G. GRCh37 (hg19) VCF-style: chr1-22181452-C-G.
Other names: c.6025G>C, p.Ala2009Pro (NM_001291860.2); short protein forms A2009P, A2008P.
Identifiers: ClinVar variation 1349428 (VCV001349428.5), dbSNP rs148626953, ClinGen allele CA671700.

ClinVar aggregate classification (germline): Uncertain significance (1 of 4 stars; one submission).

gnomAD v4.1: 8 of 1,613,564 alleles (0.0005%); highest among the groups gnomAD compares: African/African-American, 0.0093%; no homozygotes.

Submission:

Labcorp Genetics (formerly Invitae), Labcorp
Classification: Uncertain significance. Last evaluated: 2021-08-28. Review status: criteria provided, single submitter. Criteria: Invitae Variant Classification Sherloc (09022015). Collection method: clinical testing. Allele origin: germline.
Comment: This sequence change replaces alanine with proline at codon 2008 of the HSPG2 protein (p.Ala2008Pro). The alanine residue is weakly conserved and there is a small physicochemical difference between alanine and proline. This variant is present in population databases (rs148626953, ExAC 0.01%). This variant has not been reported in the literature in individuals affected with HSPG2-related conditions. Algorithms developed to predict the effect of missense changes on protein structure and function output the following: SIFT: "Tolerated"; PolyPhen-2: "Benign"; Align-GVGD: "Class C0". The proline amino acid residue is found in multiple mammalian species, which suggests that this missense change does not adversely affect protein function. In summary, the available evidence is currently insufficient to determine the role of this variant in disease. Therefore, it has been classified as a Variant of Uncertain Significance.